The following is an entry in ClinVar:

ClinVar aggregate classification (germline): Uncertain significance (1 of 4 stars; one submission).

Conditions:
Developmental and epileptic encephalopathy, 37 (DEE37). Also called: Epileptic encephalopathy, early infantile, 37. Identifiers: MedGen C4310770, MONDO:0014859, OMIM 616981.

Allele frequency attached by ClinVar (database versions not stated): gnomAD 0.00001; TOPMed 0.00001; gnomAD exomes 0.00002.

Submission:

Labcorp Genetics (formerly Invitae), Labcorp
Classification: Uncertain significance for Developmental and epileptic encephalopathy, 37. Last evaluated: 2021-08-20. Review status: criteria provided, single submitter. Criteria: Invitae Variant Classification Sherloc (09022015). Collection method: clinical testing. Allele origin: germline.
Comment: This sequence change replaces leucine with proline at codon 66 of the FRRS1L protein (p.Leu66Pro). The leucine residue is weakly conserved and there is a moderate physicochemical difference between leucine and proline. The frequency data for this variant in the population databases is considered unreliable, as metrics indicate insufficient coverage at this position in the ExAC database. This variant has not been reported in the literature in individuals affected with FRRS1L-related conditions. Algorithms developed to predict the effect of missense changes on protein structure and function are either unavailable or do not agree on the potential impact of this missense change (SIFT: "Deleterious"; PolyPhen-2: "Possibly Damaging"; Align-GVGD: "Class C0"). In summary, the available evidence is currently insufficient to determine the role of this variant in disease. Therefore, it has been classified as a Variant of Uncertain Significance.

NM_014334.4(FRRS1L):c.44T>C (p.Leu15Pro)

Gene: FRRS1L (ferric chelate reductase 1 like; minus strand). Cytogenetic location: 9q31.3.
Variant type: single nucleotide variant.
Coding change: c.44T>C on transcript NM_014334.4 (MANE Select); coding-DNA position 44, T replaced by C.
Protein change: p.Leu15Pro; replaces leucine 15 with proline.
Molecular consequence: missense variant.
Genome position (GRCh38, 1-based): chr9:109,167,095, A>G on the plus strand (T>C on the coding strand, the complement: FRRS1L is on the minus strand). VCF-style: chr9-109167095-A-G. GRCh37 (hg19) VCF-style: chr9-111929375-A-G.
Other names: short protein forms L15P.
Identifiers: ClinVar variation 1442694 (VCV001442694.5), dbSNP rs1453473822, ClinGen allele CA374430610.